The following is an entry in ClinVar:

ClinVar aggregate classification (germline): Likely benign (1 of 4 stars; one submission).

Allele frequency attached by ClinVar (database versions not stated): TOPMed 0.00002; gnomAD 0.00004; gnomAD exomes 0.00005; ExAC 0.00008.
gnomAD v4.1: 75 of 1,614,192 alleles (0.0046%); highest among the groups gnomAD compares: Middle Eastern, 0.033%; 2 homozygotes.

Submission:

CeGaT Center for Human Genetics Tuebingen
Classification: Likely benign. Last evaluated: 2022-06-01. Review status: criteria provided, single submitter. Criteria: CeGaT Center For Human Genetics Tuebingen Variant Classification Criteria Version 2. Collection method: clinical testing. Allele origin: germline. Affected: yes. Observed: 1 variant allele.
Comment: NRXN2: BP4, BP7

NM_015080.4(NRXN2):c.2268G>A (p.Val756=)

Genes: NRXN2 (neurexin 2; minus strand), LOC126861232 (P300/CBP strongly-dependent group 1 enhancer GRCh37_chr11:64426961-64428160; plus strand). Cytogenetic location: 11q13.1.
Variant type: single nucleotide variant.
Coding change: c.2268G>A on transcript NM_015080.4 (MANE Select); coding-DNA position 2268, G replaced by A.
Protein change: p.Val756=; no amino-acid change (valine 756 retained).
Molecular consequence: synonymous variant.
Genome position (GRCh38, 1-based): chr11:64,660,453, C>T on the plus strand (G>A on the coding strand, the complement: NRXN2 is on the minus strand). VCF-style: chr11-64660453-C-T. GRCh37 (hg19) VCF-style: chr11-64427925-C-T.
Other names: c.2268G>A, p.Val756= (NM_001376262.1); c.2247G>A, p.Val749= (NM_001376263.1, NM_001376267.1); c.2223G>A, p.Val741= (NM_001376265.1); c.2244G>A, p.Val748= (NM_001376266.1); c.2175G>A, p.Val725= (NM_138732.3).
Identifiers: ClinVar variation 2641927 (VCV002641927.24), dbSNP rs756315724, ClinGen allele CA6078245.